The following is an entry in ClinVar:

NM_005198.5(CHKB):c.1030C>T (p.Arg344Trp)

Genes: CHKB (choline kinase beta; minus strand), CHKB-CPT1B (CHKB-CPT1B readthrough (NMD candidate); minus strand). Cytogenetic location: 22q13.33.
Variant type: single nucleotide variant.
Coding change: c.1030C>T on transcript NM_005198.5 (MANE Select); coding-DNA position 1030, C replaced by T.
Protein change: p.Arg344Trp; replaces arginine 344 with tryptophan.
Molecular consequence: missense variant. On other transcripts: non-coding transcript variant (1).
Genome position (GRCh38, 1-based): chr22:50,579,728, G>A on the plus strand (C>T on the coding strand, the complement: CHKB is on the minus strand). VCF-style: chr22-50579728-G-A. GRCh37 (hg19) VCF-style: chr22-51018157-G-A.
Other names: short protein forms R344W.
Identifiers: ClinVar variation 1723094 (VCV001723094.6), dbSNP rs138074497, ClinGen allele CA10323538.

ClinVar aggregate classification (germline): Uncertain significance. Review status: criteria provided, multiple submitters, no conflicts (2 of 4 stars). 3 submissions from 3 submitters: Uncertain significance (3). Last evaluated 2025-05-16.

Conditions:
Megaconial type congenital muscular dystrophy (MDCMC). Also called: CHKB-Related Muscle Diseases; CHKB-Related Muscular Dystrophy; MUSCULAR DYSTROPHY, CONGENITAL, WITH MITOCHONDRIAL STRUCTURAL ABNORMALITIES. Identifiers: Orphanet 280671, MedGen C1865233, MONDO:0011246, OMIM 602541.

Allele frequency attached by ClinVar (database versions not stated): TOPMed 0.00003; ESP Exome Variant Server 0.00015; gnomAD 0.00003.

Submissions (3):

Dasa
Classification: Uncertain significance. Last evaluated: 2025-05-16. Review status: criteria provided, single submitter. Criteria: DASA Assertion Criteria. Collection method: clinical testing. Allele origin: germline.
Comment: NM_005198.5(CHKB):c.1030C>T (p.Arg344Trp) is a missense variant that results in the substitution of arginine with tryptophan. This variant is rare in population databases. Computational prediction algorithms are consistent with a benign effect. The currently available literature and clinical evidence are not sufficient to establish a definitive association between this variant and the reported condition. Therefore, this variant is classified as a variant of uncertain significance.

Labcorp Genetics (formerly Invitae), Labcorp
Classification: Uncertain significance for Megaconial type congenital muscular dystrophy. Last evaluated: 2022-06-08. Review status: criteria provided, single submitter. Criteria: Invitae Variant Classification Sherloc (09022015). Collection method: clinical testing. Allele origin: germline.
Comment: This sequence change replaces arginine, which is basic and polar, with tryptophan, which is neutral and slightly polar, at codon 344 of the CHKB protein (p.Arg344Trp). This variant is present in population databases (rs138074497, gnomAD 0.01%). This variant has not been reported in the literature in individuals affected with CHKB-related conditions. Algorithms developed to predict the effect of missense changes on protein structure and function output the following: SIFT: "Deleterious"; PolyPhen-2: "Benign"; Align-GVGD: "Class C0". The tryptophan amino acid residue is found in multiple mammalian species, which suggests that this missense change does not adversely affect protein function. Algorithms developed to predict the effect of sequence changes on RNA splicing suggest that this variant may disrupt the consensus splice site. In summary, the available evidence is currently insufficient to determine the role of this variant in disease. Therefore, it has been classified as a Variant of Uncertain Significance.

GeneDx
Classification: Uncertain significance. Last evaluated: 2022-04-30. Review status: criteria provided, single submitter. Criteria: GeneDx Variant Classification Process June 2021. Collection method: clinical testing. Allele origin: germline. Affected: yes.
Comment: In silico analysis supports that this missense variant has a deleterious effect on protein structure/function; Has not been previously published as pathogenic or benign to our knowledge